The following is an entry in ClinVar:

ClinVar aggregate classification (germline): Pathogenic. Review status: criteria provided, single submitter (1 of 4 stars). 2 submissions from 2 submitters: Pathogenic (1). 1 of the submissions does not count toward it. Last evaluated 2020-07-17.

Conditions:
beta Thalassemia (BTHAL). Also called: Cooley's anemia; Erythroblastic anemia; Mediterranean anemia. Identifiers: Orphanet 848, MedGen C0005283, MONDO:0019402. Disease mechanism: loss of function.

Allele frequency attached by ClinVar (database versions not stated): gnomAD exomes below 0.00001.

Submissions (2):

Quest Diagnostics Nichols Institute San Juan Capistrano
Classification: Pathogenic. Last evaluated: 2020-07-17. Review status: criteria provided, single submitter. Criteria: Quest Diagnostics criteria. Collection method: clinical testing. Allele origin: unknown.
Comment: The variant results in a shift of the reading frame, and is therefore predicted to result in the loss of a functional protein. Found in at least one patient with expected phenotype for this gene, and not found in general population data.

The ITHANET community portal, The Cyprus Institute of Neurology and Genetics
Classification: Pathogenic for beta Thalassemia. Last evaluated: 2019-11-25. Review status: no assertion criteria provided. Collection method: curation. Allele origin: germline. Not counted in ClinVar's aggregate classification.

Literature cited by the submitters: PubMed 1917531 (cited by Quest Diagnostics Nichols Institute San Juan Capistrano and The ITHANET community portal, The Cyprus Institute of Neurology and Genetics); PubMed 28391758 (cited by Quest Diagnostics Nichols Institute San Juan Capistrano).

NM_000518.5(HBB):c.78dup (p.Glu27Ter)

Genes: HBB (hemoglobin subunit beta; minus strand), LOC106099062 (HBB recombination region; plus strand), LOC107133510 (origin of replication at HBB; plus strand). Cytogenetic location: 11p15.4.
Variant type: Duplication.
Coding change: c.78dup on transcript NM_000518.5 (MANE Select); coding-DNA position 78, one base duplicated (T; older notation c.78dupT).
Protein change: p.Glu27Ter; replaces glutamic acid 27 with a stop codon.
Molecular consequence: nonsense.
Genome position (GRCh38, 1-based): chr11:5,226,944, A duplicated on the plus strand (T on the coding strand, the reverse complement: HBB is on the minus strand). VCF-style (leftmost placement, unchanged base first): chr11-5226943-C-CA. GRCh37 (hg19) VCF-style: chr11-5248173-C-CA.
Other names: CD 25/26 (+T); short protein forms E27*.
Identifiers: ClinVar variation 869363 (VCV000869363.3), dbSNP rs35619688, ClinGen allele CA217115196.